The following is an entry in ClinVar:

NM_016580.4(PCDH12):c.2948A>G (p.Asn983Ser)

Genes: PCDH12 (protocadherin 12; minus strand), RNF14 (ring finger protein 14; plus strand). Cytogenetic location: 5q31.3.
Variant type: single nucleotide variant.
Coding change: c.2948A>G on transcript NM_016580.4 (MANE Select); coding-DNA position 2948, A replaced by G.
Protein change: p.Asn983Ser; replaces asparagine 983 with serine.
Molecular consequence: missense variant.
Genome position (GRCh38, 1-based): chr5:141,951,523, T>C on the plus strand (A>G on the coding strand, the complement: PCDH12 is on the minus strand). VCF-style: chr5-141951523-T-C. GRCh37 (hg19) VCF-style: chr5-141331088-T-C.
Other names: short protein forms N983S.
Identifiers: ClinVar variation 1471528 (VCV001471528.6), dbSNP rs2126922187, ClinGen allele CA361568818.
Genomic context (GRCh38, chr5:141,951,523, plus strand): 5'-AGATGCCTGTGGGGGCTACGTGCTGCTTACCTGCTGCCTCCTGGCTTGGCCAAGTACTTA[T>C]TTCCTCGGTGGTTTGGTTTGGGCTGGAATTGGCCCTGATGCAGCAAGGACAGCAGCTGGG-3'
Protein context (NP_057664.1, residues 973-993): QFQPKPNHRG[Asn983Ser]KYLAKPGGSR

ClinVar aggregate classification (germline): Uncertain significance (1 of 4 stars; one submission).

Allele frequency attached by ClinVar (database versions not stated): gnomAD exomes below 0.00001.
gnomAD v4.1: 2 of 1,614,190 alleles (0.00012%); highest among the groups gnomAD compares: Non-Finnish European, 0.00017%; no homozygotes.

Submission:

Labcorp Genetics (formerly Invitae), Labcorp
Classification: Uncertain significance. Last evaluated: 2021-12-02. Review status: criteria provided, single submitter. Criteria: Invitae Variant Classification Sherloc (09022015). Collection method: clinical testing. Allele origin: germline.
Comment: In summary, the available evidence is currently insufficient to determine the role of this variant in disease. Therefore, it has been classified as a Variant of Uncertain Significance. This sequence change replaces asparagine, which is neutral and polar, with serine, which is neutral and polar, at codon 983 of the PCDH12 protein (p.Asn983Ser). This variant is not present in population databases (gnomAD no frequency). This variant has not been reported in the literature in individuals affected with PCDH12-related conditions. Advanced modeling of protein sequence and biophysical properties (such as structural, functional, and spatial information, amino acid conservation, physicochemical variation, residue mobility, and thermodynamic stability) performed at Invitae indicates that this missense variant is not expected to disrupt PCDH12 protein function. Algorithms developed to predict the effect of sequence changes on RNA splicing suggest that this variant may create or strengthen a splice site.